The following is an entry in ClinVar:

ClinVar aggregate classification (germline): Uncertain significance (1 of 4 stars; one submission).

Submission:

Labcorp Genetics (formerly Invitae), Labcorp
Classification: Uncertain significance. Last evaluated: 2024-12-04. Review status: criteria provided, single submitter. Criteria: Invitae Variant Classification Sherloc (09022015). Collection method: clinical testing. Allele origin: germline.
Comment: This sequence change replaces isoleucine, which is neutral and non-polar, with valine, which is neutral and non-polar, at codon 1292 of the CHD8 protein (p.Ile1292Val). This variant is not present in population databases (gnomAD no frequency). This variant has not been reported in the literature in individuals affected with CHD8-related conditions. ClinVar contains an entry for this variant (Variation ID: 2708049). Invitae Evidence Modeling of protein sequence and biophysical properties (such as structural, functional, and spatial information, amino acid conservation, physicochemical variation, residue mobility, and thermodynamic stability) indicates that this missense variant is not expected to disrupt CHD8 protein function with a negative predictive value of 95%. In summary, the available evidence is currently insufficient to determine the role of this variant in disease. Therefore, it has been classified as a Variant of Uncertain Significance.

NM_001170629.2(CHD8):c.3874A>G (p.Ile1292Val)

Gene: CHD8 (chromodomain helicase DNA binding protein 8; minus strand). Cytogenetic location: 14q11.2.
Variant type: single nucleotide variant.
Coding change: c.3874A>G on transcript NM_001170629.2 (MANE Select); coding-DNA position 3874, A replaced by G.
Protein change: p.Ile1292Val; replaces isoleucine 1292 with valine.
Molecular consequence: missense variant.
Genome position (GRCh38, 1-based): chr14:21,402,344, T>C on the plus strand (A>G on the coding strand, the complement: CHD8 is on the minus strand). VCF-style: chr14-21402344-T-C. GRCh37 (hg19) VCF-style: chr14-21870503-T-C.
Other names: c.3037A>G, p.Ile1013Val (NM_020920.4); short protein forms I1292V, I1013V.
Identifiers: ClinVar variation 2708049 (VCV002708049.3), dbSNP rs2501897694, ClinGen allele CA388898691.